The following is an entry in ClinVar:

ClinVar aggregate classification (germline): Uncertain significance (1 of 4 stars; one submission).

Conditions:
Cardiovascular phenotype. Identifiers: MedGen CN230736.

Submission:

Ambry Genetics
Classification: Uncertain significance for Cardiovascular phenotype. Last evaluated: 2026-08-24. Review status: criteria provided, single submitter. Criteria: Ambry Variant Classification Scheme 2023. Collection method: clinical testing. Allele origin: germline.
Comment: The p.S2960F variant (also known as c.8879C>T), located in coding exon 26 of the APOB gene, results from a C to T substitution at nucleotide position 8879. The serine at codon 2960 is replaced by phenylalanine, an amino acid with highly dissimilar properties. This amino acid position is conserved. In addition, this alteration is predicted to be tolerated by in silico analysis. Based on the available evidence, the clinical significance of this variant remains unclear.

NM_000384.3(APOB):c.8879C>T (p.Ser2960Phe)

Gene: APOB (apolipoprotein B; minus strand). Cytogenetic location: 2p24.1.
Variant type: single nucleotide variant.
Coding change: c.8879C>T on transcript NM_000384.3 (MANE Select); coding-DNA position 8879, C replaced by T.
Protein change: p.Ser2960Phe; replaces serine 2960 with phenylalanine.
Molecular consequence: missense variant.
Genome position (GRCh38, 1-based): chr2:21,007,989, G>A on the plus strand (C>T on the coding strand, the complement: APOB is on the minus strand). VCF-style: chr2-21007989-G-A. GRCh37 (hg19) VCF-style: chr2-21230861-G-A.
Other names: short protein forms S2960F.
Identifiers: ClinVar variation 5026720 (VCV005026720.1), dbSNP rs1663194234.
Genomic context (GRCh38, chr2:21,007,989, plus strand): 5'-GAGCCAGATTCATAAACCAAGTTTTGGTTTACTCTTAGGTGTTTGCTATTGATCTTATTG[G>A]ACAGTCCAAAGGAAGTGAGGGGTCCTTCTATGGTGAAACTAATTTGTGATTCATGTGTTC-3'
Protein context (NP_000375.3, residues 2950-2970): IEGPLTSFGL[Ser2960Phe]NKINSKHLRV